The following is an entry in ClinVar:

ClinVar aggregate classification (germline): Benign/Likely benign. Review status: criteria provided, multiple submitters, no conflicts (2 of 4 stars). 3 submissions from 3 submitters: Benign (1); Likely benign (2). Last evaluated 2026-07-23.

Conditions:
Rhabdoid tumor predisposition syndrome 2 (RTPS2). Identifiers: Orphanet 231108, Orphanet 69077, MedGen C2750074, MONDO:0013224, OMIM 613325.
Hereditary cancer-predisposing syndrome. Also called: Hereditary Cancer Syndrome; Hereditary neoplastic syndrome; Neoplastic Syndromes, Hereditary; Tumor predisposition. Identifiers: Orphanet 140162, MedGen C0027672, MeSH D009386, MONDO:0015356.

Allele frequency attached by ClinVar (database versions not stated): gnomAD exomes below 0.00001.
gnomAD v4.1: 2 of 1,614,102 alleles (0.00012%); highest among the groups gnomAD compares: East Asian, 0.0022%; no homozygotes.

Submissions (3):

Myriad Genetics, Inc.
Classification: Benign for Rhabdoid tumor predisposition syndrome 2. Last evaluated: 2026-07-23. Review status: criteria provided, single submitter. Criteria: Myriad Autosomal Dominant, Autosomal Recessive and X-Linked Classification Criteria (2023). Collection method: clinical testing. Allele origin: unknown.
Comment: This variant is considered benign. This variant is a silent/synonymous amino acid change and it is not expected to impact splicing.

Labcorp Genetics (formerly Invitae), Labcorp
Classification: Likely benign for Rhabdoid tumor predisposition syndrome 2. Last evaluated: 2025-06-24. Review status: criteria provided, single submitter. Criteria: Invitae Variant Classification Sherloc (09022015). Collection method: clinical testing. Allele origin: germline.

Ambry Genetics
Classification: Likely benign for Hereditary cancer-predisposing syndrome. Last evaluated: 2020-02-11. Review status: criteria provided, single submitter. Criteria: Ambry Variant Classification Scheme 2023. Collection method: clinical testing. Allele origin: germline.

NM_003072.5(SMARCA4):c.4548C>T (p.Asn1516=)

Gene: SMARCA4 (SWI/SNF related BAF chromatin remodeling complex subunit ATPase 4; plus strand). Cytogenetic location: 19p13.2.
Variant type: single nucleotide variant.
Coding change: c.4548C>T on transcript NM_003072.5 (MANE Select); coding-DNA position 4548, C replaced by T.
Protein change: p.Asn1516=; no amino-acid change (asparagine 1516 retained).
Molecular consequence: synonymous variant. On other transcripts: non-coding transcript variant (1).
Genome position (GRCh38, 1-based): chr19:11,058,802, C>T. VCF-style: chr19-11058802-C-T. GRCh37 (hg19) VCF-style: chr19-11169478-C-T.
Other names: c.4548C>T, p.Asn1516= (NM_001128844.3); c.4458C>T, p.Asn1486= (NM_001128845.2); c.4455C>T, p.Asn1485= (NM_001128846.2); c.4449C>T, p.Asn1483= (NM_001128847.4, NM_001374457.1); c.4446C>T, p.Asn1482= (NM_001128848.2); c.4644C>T, p.Asn1548= (NM_001128849.3, NM_001387283.1).
Identifiers: ClinVar variation 1137617 (VCV001137617.12), dbSNP rs1325003130, ClinGen allele CA505494954.